The following is an entry in ClinVar:

ClinVar aggregate classification (germline): Uncertain significance. Review status: criteria provided, multiple submitters, no conflicts (2 of 4 stars). 2 submissions from 2 submitters: Uncertain significance (2). Last evaluated 2026-01-19.

Conditions:
DICER1-related tumor predisposition. Also called: DICER1-related pleuropulmonary blastoma cancer predisposition syndrome; DICER1 syndrome. Identifiers: Orphanet 284343, MedGen C3839822, MONDO:0100216.
Hereditary cancer-predisposing syndrome. Also called: Tumor predisposition; Neoplastic Syndromes, Hereditary; Hereditary Cancer Syndrome; Hereditary neoplastic syndrome. Identifiers: Orphanet 140162, MedGen C0027672, MeSH D009386, MONDO:0015356.

Submissions (2):

Labcorp Genetics (formerly Invitae), Labcorp
Classification: Uncertain significance for DICER1-related tumor predisposition. Last evaluated: 2026-01-19. Review status: criteria provided, single submitter. Criteria: Invitae Variant Classification Sherloc (09022015). Collection method: clinical testing. Allele origin: germline.
Comment: This sequence change replaces valine, which is neutral and non-polar, with isoleucine, which is neutral and non-polar, at codon 693 of the DICER1 protein (p.Val693Ile). This variant is not present in population databases (gnomAD no frequency). This variant has not been reported in the literature in individuals affected with DICER1-related conditions. ClinVar contains an entry for this variant (Variation ID: 1785481). Invitae Evidence Modeling of protein sequence and biophysical properties (such as structural, functional, and spatial information, amino acid conservation, physicochemical variation, residue mobility, and thermodynamic stability) indicates that this missense variant is not expected to disrupt DICER1 protein function with a negative predictive value of 95%. In summary, the available evidence is currently insufficient to determine the role of this variant in disease. Therefore, it has been classified as a Variant of Uncertain Significance.

Ambry Genetics
Classification: Uncertain significance for Hereditary cancer-predisposing syndrome. Last evaluated: 2022-06-09. Review status: criteria provided, single submitter. Criteria: Ambry Variant Classification Scheme 2023. Collection method: clinical testing. Allele origin: germline.
Comment: The p.V693I variant (also known as c.2077G>A), located in coding exon 12 of the DICER1 gene, results from a G to A substitution at nucleotide position 2077. The valine at codon 693 is replaced by isoleucine, an amino acid with highly similar properties. This amino acid position is not well conserved in available vertebrate species. In addition, this alteration is predicted to be tolerated by in silico analysis. Since supporting evidence is limited at this time, the clinical significance of this alteration remains unclear.

NM_177438.3(DICER1):c.2077G>A (p.Val693Ile)

Gene: DICER1 (dicer 1, ribonuclease III; minus strand). Cytogenetic location: 14q32.13.
Variant type: single nucleotide variant.
Coding change: c.2077G>A on transcript NM_177438.3 (MANE Select); coding-DNA position 2077, G replaced by A.
Protein change: p.Val693Ile; replaces valine 693 with isoleucine.
Molecular consequence: missense variant. On other transcripts: non-coding transcript variant (6).
Genome position (GRCh38, 1-based): chr14:95,112,211, C>T on the plus strand (G>A on the coding strand, the complement: DICER1 is on the minus strand). VCF-style: chr14-95112211-C-T. GRCh37 (hg19) VCF-style: chr14-95578548-C-T.
Other names: c.2077G>A, p.Val693Ile (NM_001195573.1, NM_001271282.3, NM_001291628.2 and 13 more transcripts); c.1795G>A, p.Val599Ile (NM_001395686.1); c.1672G>A, p.Val558Ile (NM_001395687.1, NM_001395688.1, NM_001395689.1 and 3 more transcripts); c.1510G>A, p.Val504Ile (NM_001395691.1); c.394G>A, p.Val132Ile (NM_001395697.1); short protein forms V132I, V504I, V599I, V558I, V693I.
Identifiers: ClinVar variation 1785481 (VCV001785481.3), dbSNP rs1595393847, ClinGen allele CA390883072.